The following is an entry in ClinVar:

ClinVar aggregate classification (germline): Uncertain significance (1 of 4 stars; one submission).

Allele frequency attached by ClinVar (database versions not stated): ExAC 0.00002.
gnomAD v4.1: 24 of 1,613,270 alleles (0.0015%); highest among the groups gnomAD compares: East Asian, 0.011%; no homozygotes.

Submission:

Labcorp Genetics (formerly Invitae), Labcorp
Classification: Uncertain significance. Last evaluated: 2025-12-07. Review status: criteria provided, single submitter. Criteria: Invitae Variant Classification Sherloc (09022015). Collection method: clinical testing. Allele origin: germline.
Comment: This sequence change replaces threonine, which is neutral and polar, with proline, which is neutral and non-polar, at codon 657 of the MKL1 protein (p.Thr657Pro). This variant is present in population databases (rs762758238, gnomAD 0.005%). This variant has not been reported in the literature in individuals affected with MKL1-related conditions. ClinVar contains an entry for this variant (Variation ID: 2180602). An algorithm developed to predict the effect of missense changes on protein structure and function outputs the following: PolyPhen-2: "Benign". The proline amino acid residue is found in multiple mammalian species, which suggests that this missense change does not adversely affect protein function. In summary, the available evidence is currently insufficient to determine the role of this variant in disease. Therefore, it has been classified as a Variant of Uncertain Significance.

NM_020831.6(MRTFA):c.2269A>C (p.Thr757Pro)

Gene: MRTFA (myocardin related transcription factor A; minus strand). Cytogenetic location: 22q13.1.
Variant type: single nucleotide variant.
Coding change: c.2269A>C on transcript NM_020831.6 (MANE Select); coding-DNA position 2269, A replaced by C.
Protein change: p.Thr757Pro; replaces threonine 757 with proline.
Molecular consequence: missense variant.
Genome position (GRCh38, 1-based): chr22:40,418,469, T>G on the plus strand (A>C on the coding strand, the complement: MRTFA is on the minus strand). VCF-style: chr22-40418469-T-G. GRCh37 (hg19) VCF-style: chr22-40814473-T-G.
Other names: c.1969A>C, p.Thr657Pro (NM_001282660.2); c.2119A>C, p.Thr707Pro (NM_001282661.3); c.2269A>C, p.Thr757Pro (NM_001282662.3); c.2074A>C, p.Thr692Pro (NM_001318139.2); short protein forms T707P, T757P, T657P, T692P.
Identifiers: ClinVar variation 2180602 (VCV002180602.4), dbSNP rs762758238, ClinGen allele CA10249393.